The following is an entry in ClinVar:

ClinVar aggregate classification (germline): Pathogenic. Review status: criteria provided, multiple submitters, no conflicts (2 of 4 stars). 3 submissions from 3 submitters: Pathogenic (2). 1 of the submissions does not count toward it. Last evaluated 2025-07-11.

Conditions:
Marfan syndrome (MFS). Also called: Marfan syndrome type 1; Marfan syndrome, classic; Marfan's syndrome; FBN1-Related Marfan Syndrome; MARFAN SYNDROME, TYPE I. Identifiers: Orphanet 284963, Orphanet 558, MedGen C0024796, MONDO:0007947, OMIM 154700.
Familial thoracic aortic aneurysm and aortic dissection (TAAD). Also called: Thoracic aortic aneurysms and dissections. Identifiers: Orphanet 91387, MedGen C4707243, MONDO:0019625.

Submissions (3):

GeneDx
Classification: Pathogenic. Last evaluated: 2025-07-11. Review status: criteria provided, single submitter. Criteria: GeneDx Variant Classification Process June 2021. Collection method: clinical testing. Allele origin: germline. Affected: yes.
Comment: Identified in patients with known or suspected Marfan syndrome referred for genetic testing at GeneDx and in published literature (PMID: 29848614, 34916231); Nonsense variant predicted to result in protein truncation or nonsense mediated decay in a gene for which loss of function is a known mechanism of disease; Not observed at significant frequency in large population cohorts (gnomAD); This variant is associated with the following publications: (PMID: 29848614, 34916231)

Labcorp Genetics (formerly Invitae), Labcorp
Classification: Pathogenic for Marfan syndrome; Familial thoracic aortic aneurysm and aortic dissection. Last evaluated: 2024-12-18. Review status: criteria provided, single submitter. Criteria: Invitae Variant Classification Sherloc (09022015). Collection method: clinical testing. Allele origin: germline.
Comment: This sequence change creates a premature translational stop signal (p.Glu2130*) in the FBN1 gene. It is expected to result in an absent or disrupted protein product. Loss-of-function variants in FBN1 are known to be pathogenic (PMID: 17657824, 19293843). This variant is not present in population databases (gnomAD no frequency). This premature translational stop signal has been observed in individual(s) with clinical features of FBN1-related conditions (PMID: 29848614, 34916231). ClinVar contains an entry for this variant (Variation ID: 549342). For these reasons, this variant has been classified as Pathogenic.

Center for Medical Genetics Ghent, University of Ghent
Classification: Pathogenic for Marfan syndrome. Last evaluated: 2017-11-07. Review status: no assertion criteria provided. Collection method: clinical testing. Allele origin: de novo. Affected: yes. Not counted in ClinVar's aggregate classification.

Literature cited by the submitters: PubMed 17657824 (cited by Labcorp Genetics (formerly Invitae), Labcorp); PubMed 19293843 (cited by Labcorp Genetics (formerly Invitae), Labcorp); PubMed 29848614 (cited by Labcorp Genetics (formerly Invitae), Labcorp); PubMed 34916231 (cited by Labcorp Genetics (formerly Invitae), Labcorp).

NM_000138.5(FBN1):c.6388G>T (p.Glu2130Ter)

Gene: FBN1 (fibrillin 1; minus strand). Cytogenetic location: 15q21.1.
Variant type: single nucleotide variant.
Coding change: c.6388G>T on transcript NM_000138.5 (MANE Select); coding-DNA position 6388, G replaced by T.
Protein change: p.Glu2130Ter; replaces glutamic acid 2130 with a stop codon.
Molecular consequence: nonsense.
Genome position (GRCh38, 1-based): chr15:48,437,069, C>A on the plus strand (G>T on the coding strand, the complement: FBN1 is on the minus strand). VCF-style: chr15-48437069-C-A. GRCh37 (hg19) VCF-style: chr15-48729266-C-A.
Other names: short protein forms E2130*.
Identifiers: ClinVar variation 549342 (VCV000549342.4), dbSNP rs794728334, ClinGen allele CA392336700.
Genomic context (GRCh38, chr15:48,437,069, plus strand): 5'-GATAGGAACCATCTGTATTGATGCACTGTCCATGTTTACAGACATCGGGTTCTTTGCATT[C>A]GTCCATATCTTAAGCAAGAGAAAAAAAATAGTGAATAACAAGGTATTTTTTAAACGTGAA-3'